The following is an entry in ClinVar:

ClinVar aggregate classification (germline): Uncertain significance (1 of 4 stars; one submission).

Conditions:
Familial hypocalciuric hypercalcemia (FHH). Also called: Familial benign hypercalcemia. Identifiers: Orphanet 405, MedGen C1809471, MONDO:0018458.
Autosomal dominant hypocalcemia 1 (HYPOC1). Also called: HYPOCALCEMIA, FAMILIAL. Identifiers: MedGen C3715128, MONDO:0011013, OMIM 601198.

Allele frequency attached by ClinVar (database versions not stated): gnomAD exomes below 0.00001.

Submission:

Labcorp Genetics (formerly Invitae), Labcorp
Classification: Uncertain significance for Familial hypocalciuric hypercalcemia; Autosomal dominant hypocalcemia 1. Last evaluated: 2019-06-27. Review status: criteria provided, single submitter. Criteria: Invitae Variant Classification Sherloc (09022015). Collection method: clinical testing. Allele origin: germline.
Comment: This sequence change replaces glutamine with glutamic acid at codon 260 of the CASR protein (p.Gln260Glu). The glutamine residue is highly conserved and there is a small physicochemical difference between glutamine and glutamic acid. This variant is not present in population databases (ExAC no frequency). This variant has not been reported in the literature in individuals with CASR-related conditions. Algorithms developed to predict the effect of missense changes on protein structure and function (SIFT, PolyPhen-2, Align-GVGD) all suggest that this variant is likely to be tolerated, but these predictions have not been confirmed by published functional studies and their clinical significance is uncertain. In summary, the available evidence is currently insufficient to determine the role of this variant in disease. Therefore, it has been classified as a Variant of Uncertain Significance.

NM_000388.4(CASR):c.778C>G (p.Gln260Glu)

Gene: CASR (calcium sensing receptor; plus strand). Cytogenetic location: 3q21.1.
Variant type: single nucleotide variant.
Coding change: c.778C>G on transcript NM_000388.4 (MANE Select); coding-DNA position 778, C replaced by G.
Protein change: p.Gln260Glu; replaces glutamine 260 with glutamic acid.
Molecular consequence: missense variant.
Genome position (GRCh38, 1-based): chr3:122,261,813, C>G. VCF-style: chr3-122261813-C-G. GRCh37 (hg19) VCF-style: chr3-121980660-C-G.
Other names: c.778C>G, p.Gln260Glu (NM_001178065.2); short protein forms Q260E.
Identifiers: ClinVar variation 943142 (VCV000943142.10), dbSNP rs2074627053, ClinGen allele CA354151335.
Genomic context (GRCh38, chr3:122,261,813, plus strand): 5'-AGTGAACTCATCTCCCAGTACTCTGATGAGGAAGAGATCCAGCATGTGGTAGAGGTGATT[C>G]AAAATTCCACGGCCAAAGTCATCGTGGTTTTCTCCAGTGGCCCAGATCTTGAGCCCCTCA-3'
Protein context (NP_000379.3, residues 250-270): EEIQHVVEVI[Gln260Glu]NSTAKVIVVF